The following is an entry in ClinVar:

ClinVar aggregate classification (germline): Uncertain significance. Review status: criteria provided, multiple submitters, no conflicts (2 of 4 stars). 3 submissions from 3 submitters: Uncertain significance (3). Last evaluated 2025-05-30.

Conditions:
Hereditary cancer-predisposing syndrome. Also called: Neoplastic Syndromes, Hereditary; Tumor predisposition; Hereditary Cancer Syndrome; Hereditary neoplastic syndrome. Identifiers: Orphanet 140162, MedGen C0027672, MeSH D009386, MONDO:0015356.
Rhabdoid tumor predisposition syndrome 2 (RTPS2). Identifiers: Orphanet 231108, Orphanet 69077, MedGen C2750074, MONDO:0013224, OMIM 613325.

Allele frequency attached by ClinVar (database versions not stated): gnomAD exomes below 0.00001.
gnomAD v4.1: 7 of 1,614,204 alleles (0.00043%); highest among the groups gnomAD compares: Middle Eastern, 0.066%; no homozygotes.

Submissions (3):

Ambry Genetics
Classification: Uncertain significance for Hereditary cancer-predisposing syndrome. Last evaluated: 2025-05-30. Review status: criteria provided, single submitter. Criteria: Ambry Variant Classification Scheme 2023. Collection method: clinical testing. Allele origin: germline.
Comment: The p.A592V variant (also known as c.1775C>T), located in coding exon 10 of the SMARCA4 gene, results from a C to T substitution at nucleotide position 1775. The alanine at codon 592 is replaced by valine, an amino acid with similar properties. This amino acid position is well conserved in available vertebrate species. In addition, this alteration is predicted to be tolerated by in silico analysis. Based on the available evidence, the clinical significance of this variant remains unclear.

Labcorp Genetics (formerly Invitae), Labcorp
Classification: Uncertain significance for Rhabdoid tumor predisposition syndrome 2. Last evaluated: 2024-04-25. Review status: criteria provided, single submitter. Criteria: Invitae Variant Classification Sherloc (09022015). Collection method: clinical testing. Allele origin: germline.
Comment: This sequence change replaces alanine, which is neutral and non-polar, with valine, which is neutral and non-polar, at codon 592 of the SMARCA4 protein (p.Ala592Val). This variant is present in population databases (no rsID available, gnomAD 0.0009%). This variant has not been reported in the literature in individuals affected with SMARCA4-related conditions. ClinVar contains an entry for this variant (Variation ID: 820051). Advanced modeling of protein sequence and biophysical properties (such as structural, functional, and spatial information, amino acid conservation, physicochemical variation, residue mobility, and thermodynamic stability) performed at Invitae indicates that this missense variant is not expected to disrupt SMARCA4 protein function with a negative predictive value of 95%. In summary, the available evidence is currently insufficient to determine the role of this variant in disease. Therefore, it has been classified as a Variant of Uncertain Significance.

Baylor Genetics
Classification: Uncertain significance for Rhabdoid tumor predisposition syndrome 2. Last evaluated: 2024-03-06. Review status: criteria provided, single submitter. Criteria: ACMG Guidelines, 2015. Collection method: clinical testing. Allele origin: unknown.

NM_003072.5(SMARCA4):c.1775C>T (p.Ala592Val)

Gene: SMARCA4 (SWI/SNF related BAF chromatin remodeling complex subunit ATPase 4; plus strand). Cytogenetic location: 19p13.2.
Variant type: single nucleotide variant.
Coding change: c.1775C>T on transcript NM_003072.5 (MANE Select); coding-DNA position 1775, C replaced by T.
Protein change: p.Ala592Val; replaces alanine 592 with valine.
Molecular consequence: missense variant. On other transcripts: non-coding transcript variant (1).
Genome position (GRCh38, 1-based): chr19:10,996,507, C>T. VCF-style: chr19-10996507-C-T. GRCh37 (hg19) VCF-style: chr19-11107183-C-T.
Other names: c.1775C>T, p.Ala592Val (NM_001128844.3, NM_001128845.2, NM_001128846.2 and 4 more transcripts); short protein forms A592V.
Identifiers: ClinVar variation 820051 (VCV000820051.11), dbSNP rs1060502064, ClinGen allele CA404064766.